The following is an entry in ClinVar:

ClinVar aggregate classification (germline): Uncertain significance (1 of 4 stars; one submission).

Conditions:
Neonatal-onset encephalopathy with rigidity and seizures. Also called: Lethal neonatal spasticity-epileptic encephalopathy syndrome. Identifiers: Orphanet 435845, MedGen C3281029, MONDO:0013784, OMIM 614498.

gnomAD v4.1: 1 of 1,597,472 alleles (0.000063%); highest among the groups gnomAD compares: Non-Finnish European, 0.000085%; no homozygotes.

Submission:

Labcorp Genetics (formerly Invitae), Labcorp
Classification: Uncertain significance for Neonatal-onset encephalopathy with rigidity and seizures. Last evaluated: 2020-03-05. Review status: criteria provided, single submitter. Criteria: Invitae Variant Classification Sherloc (09022015). Collection method: clinical testing. Allele origin: germline.
Comment: This sequence change replaces arginine with glycine at codon 644 of the BRAT1 protein (p.Arg644Gly). The arginine residue is moderately conserved and there is a moderate physicochemical difference between arginine and glycine. This variant is not present in population databases (ExAC no frequency). This variant has not been reported in the literature in individuals with BRAT1-related disease. Algorithms developed to predict the effect of missense changes on protein structure and function (SIFT, PolyPhen-2, Align-GVGD) all suggest that this variant is likely to be tolerated, but these predictions have not been confirmed by published functional studies and their clinical significance is uncertain. In summary, the available evidence is currently insufficient to determine the role of this variant in disease. Therefore, it has been classified as a Variant of Uncertain Significance.

NM_152743.4(BRAT1):c.1930C>G (p.Arg644Gly)

Gene: BRAT1 (BRCA1 associated ATM activator 1; minus strand). Cytogenetic location: 7p22.3.
Variant type: single nucleotide variant.
Coding change: c.1930C>G on transcript NM_152743.4 (MANE Select); coding-DNA position 1930, C replaced by G.
Protein change: p.Arg644Gly; replaces arginine 644 with glycine.
Molecular consequence: missense variant. On other transcripts: non-coding transcript variant (1).
Genome position (GRCh38, 1-based): chr7:2,538,605, G>C on the plus strand (C>G on the coding strand, the complement: BRAT1 is on the minus strand). VCF-style: chr7-2538605-G-C. GRCh37 (hg19) VCF-style: chr7-2578239-G-C.
Other names: c.2110C>G, p.Arg704Gly (NM_001350626.2); c.1405C>G, p.Arg469Gly (NM_001350627.2); short protein forms R644G, R469G, R704G.
Identifiers: ClinVar variation 581677 (VCV000581677.8), dbSNP rs754828716, ClinGen allele CA366625226.